The following is an entry in ClinVar:

NM_033026.6(PCLO):c.15241A>G (p.Asn5081Asp)

Gene: PCLO (piccolo presynaptic cytomatrix protein; minus strand). Cytogenetic location: 7q21.11.
Variant type: single nucleotide variant.
Coding change: c.15241A>G on transcript NM_033026.6 (MANE Select); coding-DNA position 15241, A replaced by G.
Protein change: p.Asn5081Asp; replaces asparagine 5081 with aspartic acid.
Molecular consequence: missense variant.
Genome position (GRCh38, 1-based): chr7:82,760,686, T>C on the plus strand (A>G on the coding strand, the complement: PCLO is on the minus strand). VCF-style: chr7-82760686-T-C. GRCh37 (hg19) VCF-style: chr7-82390002-T-C.
Other names: short protein forms N5081D.
Identifiers: ClinVar variation 1364513 (VCV001364513.5), dbSNP rs1263974938, ClinGen allele CA368019618.
Genomic context (GRCh38, chr7:82,760,686, plus strand): 5'-AATACAGAGCTACCTGAAGAGAATGTCCTGCAGGACTTAGACTGAATCGAAAAGTTTCAT[T>C]AAACGAAGGCTCTCGATCATGTCTGCATACTCTTGTTTTTTTCTTGATCACCTTTTTTTG-3'
Protein context (NP_149015.2, residues 5071-5091): VCRHDREPSF[Asn5081Asp]ETFRFSLSPA

ClinVar aggregate classification (germline): Uncertain significance (1 of 4 stars; one submission).

Allele frequency attached by ClinVar (database versions not stated): gnomAD exomes below 0.00001; TOPMed below 0.00001; gnomAD 0.00001.
gnomAD v4.1: 3 of 1,606,012 alleles (0.00019%); highest among the groups gnomAD compares: African/African-American, 0.0027%; no homozygotes.

Submission:

Labcorp Genetics (formerly Invitae), Labcorp
Classification: Uncertain significance. Last evaluated: 2021-09-24. Review status: criteria provided, single submitter. Criteria: Invitae Variant Classification Sherloc (09022015). Collection method: clinical testing. Allele origin: germline.
Comment: This sequence change replaces asparagine with aspartic acid at codon 5081 of the PCLO protein (p.Asn5081Asp). The asparagine residue is weakly conserved and there is a small physicochemical difference between asparagine and aspartic acid. This variant is not present in population databases (ExAC no frequency). This variant has not been reported in the literature in individuals with PCLO-related conditions. Algorithms developed to predict the effect of missense changes on protein structure and function are either unavailable or do not agree on the potential impact of this missense change (SIFT: "Deleterious"; PolyPhen-2: "Not Available"; Align-GVGD: "Class C0"). In summary, the available evidence is currently insufficient to determine the role of this variant in disease. Therefore, it has been classified as a Variant of Uncertain Significance.